The following is an entry in ClinVar:

NM_001145358.2(SIN3A):c.1331T>C (p.Leu444Pro)

Gene: SIN3A (SIN3 transcription regulator family member A; minus strand). Cytogenetic location: 15q24.2.
Variant type: single nucleotide variant.
Coding change: c.1331T>C on transcript NM_001145358.2 (MANE Select); coding-DNA position 1331, T replaced by C.
Protein change: p.Leu444Pro; replaces leucine 444 with proline.
Molecular consequence: missense variant.
Genome position (GRCh38, 1-based): chr15:75,407,131, A>G on the plus strand (T>C on the coding strand, the complement: SIN3A is on the minus strand). VCF-style: chr15-75407131-A-G. GRCh37 (hg19) VCF-style: chr15-75699472-A-G.
Other names: c.1331T>C, p.Leu444Pro (NM_001145357.2, NM_015477.3); short protein forms L444P.
Identifiers: ClinVar variation 2111951 (VCV002111951.4), dbSNP rs2542665520, ClinGen allele CA393439782.

ClinVar aggregate classification (germline): Uncertain significance (1 of 4 stars; one submission).

Submission:

Labcorp Genetics (formerly Invitae), Labcorp
Classification: Uncertain significance. Last evaluated: 2023-07-17. Review status: criteria provided, single submitter. Criteria: Invitae Variant Classification Sherloc (09022015). Collection method: clinical testing. Allele origin: germline.
Comment: In summary, the available evidence is currently insufficient to determine the role of this variant in disease. Therefore, it has been classified as a Variant of Uncertain Significance. Advanced modeling of protein sequence and biophysical properties (such as structural, functional, and spatial information, amino acid conservation, physicochemical variation, residue mobility, and thermodynamic stability) performed at Invitae indicates that this missense variant is not expected to disrupt SIN3A protein function. ClinVar contains an entry for this variant (Variation ID: 2111951). This variant has not been reported in the literature in individuals affected with SIN3A-related conditions. This variant is not present in population databases (gnomAD no frequency). This sequence change replaces leucine, which is neutral and non-polar, with proline, which is neutral and non-polar, at codon 444 of the SIN3A protein (p.Leu444Pro).